The following is an entry in ClinVar:

NM_006415.4(SPTLC1):c.691-5_691-4insCA

Gene: SPTLC1 (serine palmitoyltransferase long chain base subunit 1; minus strand). Cytogenetic location: 9q22.31.
Variant type: Insertion.
Coding change: c.691-5_691-4insCA on transcript NM_006415.4 (MANE Select); 5 bases into the intron before coding-DNA position 691 through 4 bases into the intron before coding-DNA position 691, CA inserted.
Molecular consequence: intron variant.
Genome position: GRCh38 VCF-style: chr9-92055498-T-TTG. GRCh37 (hg19) VCF-style: chr9-94817780-T-TTG.
Other names: c.691-5_691-4insCA (NM_001281303.2); c.325-5_325-4insCA (NM_001368272.1); c.226-5_226-4insCA (NM_001368273.1).
Identifiers: ClinVar variation 4979538 (VCV004979538.1).
Genomic context (GRCh38, chr9:92,055,498, plus strand): 5'-CATATACAATCCTTCTACTACAATGAAACGCCGAGTTACACGAGCCTTGCGAGGATTCTT[T>TTG]AAAAGAGAAAAAGCAGACATCTTACATTTCAGTAACTCTGAAGACAAGATCTGTTACATA-3'

ClinVar aggregate classification (germline): Likely benign (1 of 4 stars; one submission).

Conditions:
SPTLC1-related disorder. Also called: SPTLC1-related condition.

Submission:

PreventionGenetics, part of Exact Sciences
Classification: Likely benign for SPTLC1-related condition. Last evaluated: 2026-09-25. Review status: criteria provided, single submitter. Criteria: ACMG Guidelines, 2015. Collection method: clinical testing. Allele origin: germline.
Comment: This variant is classified as likely benign based on ACMG/AMP sequence variant interpretation guidelines (Richards et al. 2015 PMID: 25741868, with internal and published modifications).